The following is an entry in ClinVar:

NM_006947.4(SRP72):c.777T>A (p.Asp259Glu)

Gene: SRP72 (signal recognition particle 72; plus strand). Cytogenetic location: 4q12.
Variant type: single nucleotide variant.
Coding change: c.777T>A on transcript NM_006947.4 (MANE Select); coding-DNA position 777, T replaced by A.
Protein change: p.Asp259Glu; replaces aspartic acid 259 with glutamic acid.
Molecular consequence: missense variant. On other transcripts: non-coding transcript variant (1), intron variant (1).
Genome position (GRCh38, 1-based): chr4:56,478,601, T>A. VCF-style: chr4-56478601-T-A. GRCh37 (hg19) VCF-style: chr4-57344767-T-A.
Other names: c.642+1899T>A (NM_001267722.2); short protein forms D259E.
Identifiers: ClinVar variation 4589591 (VCV004589591.1).

ClinVar aggregate classification (germline): Uncertain significance (1 of 4 stars; one submission).

Submission:

Ambry Genetics
Classification: Uncertain significance. Last evaluated: 2025-10-03. Review status: criteria provided, single submitter. Criteria: Ambry Variant Classification Scheme 2023. Collection method: clinical testing. Allele origin: germline.
Comment: The p.D259E variant (also known as c.777T>A), located in coding exon 8 of the SRP72 gene, results from a T to A substitution at nucleotide position 777. The aspartic acid at codon 259 is replaced by glutamic acid, an amino acid with highly similar properties. This amino acid position is conserved. In addition, this alteration is predicted to be tolerated by in silico analysis. Based on the available evidence, the clinical significance of this variant remains unclear.